The following is an entry in ClinVar:

NM_000059.4(BRCA2):c.6159del (p.Ala2054fs)

Gene: BRCA2 (BRCA2 DNA repair associated; plus strand). Cytogenetic location: 13q13.1.
Variant type: Deletion.
Coding change: c.6159del on transcript NM_000059.4 (MANE Select); coding-DNA position 6159, one base deleted (T; older notation c.6159delT).
Protein change: p.Ala2054fs; shifts the reading frame from alanine 2054.
Molecular consequence: frameshift variant. On other transcripts: non-coding transcript variant (1), intron variant (2).
Genome position (GRCh38, 1-based): chr13:32,340,514, T deleted. VCF-style (leftmost placement, unchanged base first): chr13-32340513-CT-C. GRCh37 (hg19) VCF-style: chr13-32914650-CT-C.
Other names: c.6159del, p.Ala2054fs (NM_001406719.1, NM_001406720.1, NM_001432077.1); c.1910-4044del (NM_001406721.1); c.425-4044del (NM_001406722.1); short protein forms A2054fs.
Identifiers: ClinVar variation 4842972 (VCV004842972.1).

ClinVar aggregate classification (germline): Pathogenic (1 of 4 stars; one submission).

Conditions:
Hereditary cancer-predisposing syndrome. Also called: Neoplastic Syndromes, Hereditary; Tumor predisposition; Hereditary Cancer Syndrome; Hereditary neoplastic syndrome. Identifiers: Orphanet 140162, MedGen C0027672, MeSH D009386, MONDO:0015356.

Submission:

Ambry Genetics
Classification: Pathogenic for Hereditary cancer-predisposing syndrome. Last evaluated: 2026-01-06. Review status: criteria provided, single submitter. Criteria: Ambry Variant Classification Scheme 2023. Collection method: clinical testing. Allele origin: germline.
Comment: The c.6159delT pathogenic mutation, located in coding exon 10 of the BRCA2 gene, results from a deletion of one nucleotide at nucleotide position 6159, causing a translational frameshift with a predicted alternate stop codon (p.A2054Lfs*16). This variant is considered to be rare based on population cohorts in the Genome Aggregation Database (gnomAD). This alteration is expected to result in loss of function by premature protein truncation or nonsense-mediated mRNA decay. As such, this alteration is interpreted as a disease-causing mutation.